The following is an entry in ClinVar:

ClinVar aggregate classification (germline): Uncertain significance (1 of 4 stars; one submission).

Conditions:
Inborn genetic diseases. Identifiers: MedGen C0950123, MeSH D030342.

gnomAD v4.1: 4 of 1,613,940 alleles (0.00025%); highest among the groups gnomAD compares: African/African-American, 0.0013%; no homozygotes.

Submission:

Ambry Genetics
Classification: Uncertain significance for Inborn genetic diseases. Last evaluated: 2025-02-02. Review status: criteria provided, single submitter. Criteria: Ambry Variant Classification Scheme 2023. Collection method: clinical testing. Allele origin: germline.
Comment: The p.A514S variant (also known as c.1540G>T), located in coding exon 16 of the FANCA gene, results from a G to T substitution at nucleotide position 1540. The alanine at codon 514 is replaced by serine, an amino acid with similar properties. This amino acid position is conserved. In addition, this alteration is predicted to be deleterious by in silico analysis. Based on the available evidence, the clinical significance of this variant remains unclear.

NM_000135.4(FANCA):c.1540G>T (p.Ala514Ser)

Gene: FANCA (FA complementation group A; minus strand). Cytogenetic location: 16q24.3.
Variant type: single nucleotide variant.
Coding change: c.1540G>T on transcript NM_000135.4 (MANE Select); coding-DNA position 1540, G replaced by T.
Protein change: p.Ala514Ser; replaces alanine 514 with serine.
Molecular consequence: missense variant.
Genome position (GRCh38, 1-based): chr16:89,783,033, C>A on the plus strand (G>T on the coding strand, the complement: FANCA is on the minus strand). VCF-style: chr16-89783033-C-A. GRCh37 (hg19) VCF-style: chr16-89849441-C-A.
Other names: c.1540G>T, p.Ala514Ser (NM_001286167.3); short protein forms A514S.
Identifiers: ClinVar variation 3848172 (VCV003848172.1).